The following is an entry in ClinVar:

ClinVar aggregate classification (germline): Conflicting classifications of pathogenicity. Review status: criteria provided, conflicting classifications (1 of 4 stars). 6 submissions from 6 submitters: Uncertain significance (1); Likely benign (5). Last evaluated 2026-03-27.

Conditions:
Cardiovascular phenotype. Identifiers: MedGen CN230736.
Walker-Warburg congenital muscular dystrophy. Also called: Muscular dystrophy-dystroglycanopathy, type A; Walker-Warburg syndrome. Identifiers: Orphanet 899, MedGen C0265221, MONDO:0000171.

Allele frequency attached by ClinVar (database versions not stated): ExAC 0.00002; gnomAD 0.00002; gnomAD exomes 0.00002; TOPMed 0.00003.
gnomAD v4.1: 25 of 1,611,422 alleles (0.0016%); highest among the groups gnomAD compares: Admixed American, 0.0033%; no homozygotes.

Submissions (6):

Molecular Diagnostic Laboratory for Inherited Cardiovascular Disease, Montreal Heart Institute
Classification: Likely benign. Last evaluated: 2026-03-27. Review status: criteria provided, single submitter. Criteria: ACMG Guidelines, 2015. Collection method: clinical testing. Allele origin: germline. Affected: no.
Comment: BP7

Labcorp Genetics (formerly Invitae), Labcorp
Classification: Likely benign for Walker-Warburg congenital muscular dystrophy. Last evaluated: 2025-05-05. Review status: criteria provided, single submitter. Criteria: Invitae Variant Classification Sherloc (09022015). Collection method: clinical testing. Allele origin: germline.

Blueprint Genetics
Classification: Likely benign. Last evaluated: 2024-07-30. Review status: criteria provided, single submitter. Criteria: ACMG Guidelines, 2015. Collection method: clinical testing. Allele origin: germline.

GeneDx
Classification: Likely benign. Last evaluated: 2020-02-26. Review status: criteria provided, single submitter. Criteria: GeneDx Variant Classification Process June 2021. Collection method: clinical testing. Allele origin: germline. Affected: yes.

Ambry Genetics
Classification: Likely benign for Cardiovascular phenotype. Last evaluated: 2019-10-18. Review status: criteria provided, single submitter. Criteria: Ambry Variant Classification Scheme 2023. Collection method: clinical testing. Allele origin: germline.

Eurofins Ntd Llc (ga)
Classification: Uncertain significance. Last evaluated: 2016-01-27. Review status: criteria provided, single submitter. Criteria: EGL Classification Definitions 2015. Collection method: clinical testing. Allele origin: germline. Observed: 1 variant allele, 1 heterozygote.

NM_001079802.2(FKTN):c.63G>C (p.Leu21=)

Gene: FKTN (fukutin; plus strand). Cytogenetic location: 9q31.2.
Variant type: single nucleotide variant.
Coding change: c.63G>C on transcript NM_001079802.2 (MANE Select); coding-DNA position 63, G replaced by C.
Protein change: p.Leu21=; no amino-acid change (leucine 21 retained).
Molecular consequence: synonymous variant. On other transcripts: 5 prime UTR variant (5), non-coding transcript variant (2).
Genome position (GRCh38, 1-based): chr9:105,575,095, G>C. VCF-style: chr9-105575095-G-C. GRCh37 (hg19) VCF-style: chr9-108337376-G-C.
Other names: c.63G>C, p.Leu21= (NM_001198963.2, NM_001351496.2, NM_001351498.2 and 1 more transcripts); c.-105G>C (NM_001351497.2); c.-452G>C (NM_001351499.2, NM_001351500.2, NM_001351501.2 and 1 more transcripts).
Identifiers: ClinVar variation 285459 (VCV000285459.22), dbSNP rs766642997, ClinGen allele CA5170292.
Genomic context (GRCh38, chr9:105,575,095, plus strand): 5'-GAGTAGAATCAATAAGAACGTGGTTTTGGCCCTTTTAACGCTGACAAGTTCTGCATTTCT[G>C]CTGTTTCAGTTGTACTACTACAAGCACTATTTATCAACAAAGGTAATTTTATTCCTTCTT-3'
Protein context (NP_001073270.1, residues 11-31): ALLTLTSSAF[Leu21=]LFQLYYYKHY